The following is an entry in ClinVar:

NM_000053.4(ATP7B):c.3857C>T (p.Thr1286Ile)

Gene: ATP7B (ATPase copper transporting beta; minus strand). Cytogenetic location: 13q14.3.
Variant type: single nucleotide variant.
Coding change: c.3857C>T on transcript NM_000053.4 (MANE Select); coding-DNA position 3857, C replaced by T.
Protein change: p.Thr1286Ile; replaces threonine 1286 with isoleucine.
Molecular consequence: missense variant. On other transcripts: intron variant (1).
Genome position (GRCh38, 1-based): chr13:51,937,522, G>A on the plus strand (C>T on the coding strand, the complement: ATP7B is on the minus strand). VCF-style: chr13-51937522-G-A. GRCh37 (hg19) VCF-style: chr13-52511658-G-A.
Other names: c.3176C>T, p.Thr1059Ile (NM_001406546.1); c.3014C>T, p.Thr1005Ile (NM_001406547.1); c.2567C>T, p.Thr856Ile (NM_001406548.1); c.3700-129C>T (NM_001406526.1); c.3623C>T, p.Thr1208Ile (NM_001406528.1, NM_001330578.2, NM_001406527.1); c.3617C>T, p.Thr1206Ile (NM_001406530.1); c.3605C>T, p.Thr1202Ile (NM_001406531.1, NM_001406532.1, NM_001330579.2); c.3569C>T, p.Thr1190Ile (NM_001406534.1); and 21 more; short protein forms T1005I, T1059I, T1070I, T1079I, T1092I, T1122I, T1124I, T1137I.
Identifiers: ClinVar variation 3075582 (VCV003075582.1), dbSNP rs751483318, ClinGen allele CA6988558.

ClinVar aggregate classification (germline): Uncertain significance (1 of 4 stars; one submission).

Conditions:
Wilson disease (WND). Also called: Wilson's disease. Identifiers: Orphanet 905, MedGen C0019202, MONDO:0010200, OMIM 277900. Disease mechanism: loss of function.

Allele frequency attached by ClinVar (database versions not stated): ExAC 0.00001; gnomAD exomes 0.00001.
gnomAD v4.1: 8 of 1,614,188 alleles (0.0005%); highest among the groups gnomAD compares: Admixed American, 0.0017%; no homozygotes.

Submission:

All of Us Research Program, National Institutes of Health
Classification: Uncertain significance for Wilson disease. Last evaluated: 2023-12-01. Review status: criteria provided, single submitter. Criteria: ACMG Guidelines, 2015. Collection method: clinical testing. Allele origin: germline. Inheritance: Autosomal recessive inheritance. Observed: 1 variant allele, 1 heterozygote.
Comment: This study involves interpretation of variants in research participants for the purpose of population health screening. Participant phenotype was not available at the time of variant classification. Additional details can be found in publication PMID: 35346344, PMCID: PMC8962531